The following is an entry in ClinVar:

ClinVar aggregate classification (germline): Likely benign (1 of 4 stars; one submission).

Conditions:
Cardiomyopathy (CMYO). Also called: Cardiomyopathies. Identifiers: Orphanet 167848, MedGen C0878544, MONDO:0004994, HP:0001638. Inheritance: Various modes of inheritance.

Submission:

All of Us Research Program, National Institutes of Health
Classification: Likely benign for Cardiomyopathy. Last evaluated: 2024-05-14. Review status: criteria provided, single submitter. Criteria: ACMG Guidelines, 2015. Collection method: clinical testing. Allele origin: germline. Inheritance: Autosomal dominant inheritance. Observed: 2 variant alleles, 2 heterozygotes.
Comment: This study involves interpretation of variants in research participants for the purpose of population health screening. Participant phenotype was not available at the time of variant classification. Additional details can be found in publication PMID: 35346344, PMCID: PMC8962531

NM_000257.4(MYH7):c.2680-15G>C

Gene: MYH7 (myosin heavy chain 7; minus strand). Cytogenetic location: 14q11.2.
Variant type: single nucleotide variant.
Coding change: c.2680-15G>C on transcript NM_000257.4 (MANE Select); 15 bases into the intron before coding-DNA position 2680, G replaced by C.
Molecular consequence: intron variant.
Genome position (GRCh38, 1-based): chr14:23,424,164, C>G on the plus strand (G>C on the coding strand, the complement: MYH7 is on the minus strand). VCF-style: chr14-23424164-C-G. GRCh37 (hg19) VCF-style: chr14-23893373-C-G.
Other names: c.2680-15G>C (NM_001407004.1).
Identifiers: ClinVar variation 3071145 (VCV003071145.2), dbSNP rs1395819260, ClinGen allele CA612937499.